The following is an entry in ClinVar:

NM_006231.4(POLE):c.2864+3G>T

Gene: POLE (DNA polymerase epsilon, catalytic subunit; minus strand). Cytogenetic location: 12q24.33.
Variant type: single nucleotide variant.
Coding change: c.2864+3G>T on transcript NM_006231.4 (MANE Select); 3 bases into the intron after coding-DNA position 2864, G replaced by T.
Molecular consequence: intron variant.
Genome position (GRCh38, 1-based): chr12:132,661,524, C>A on the plus strand (G>T on the coding strand, the complement: POLE is on the minus strand). VCF-style: chr12-132661524-C-A. GRCh37 (hg19) VCF-style: chr12-133238110-C-A.
Identifiers: ClinVar variation 3935774 (VCV003935774.1).

ClinVar aggregate classification (germline): Uncertain significance (1 of 4 stars; one submission).

Conditions:
Hereditary cancer-predisposing syndrome. Also called: Tumor predisposition; Hereditary neoplastic syndrome; Hereditary Cancer Syndrome; Neoplastic Syndromes, Hereditary. Identifiers: Orphanet 140162, MedGen C0027672, MeSH D009386, MONDO:0015356.

Submission:

Ambry Genetics
Classification: Uncertain significance for Hereditary cancer-predisposing syndrome. Last evaluated: 2025-05-23. Review status: criteria provided, single submitter. Criteria: Ambry Variant Classification Scheme 2023. Collection method: clinical testing. Allele origin: germline.
Comment: The c.2864+3G>T intronic variant results from a G to T substitution 3 nucleotides after coding exon 24 in the POLE gene. This nucleotide position is poorly conserved in available vertebrate species. In silico splice site analysis predicts that this alteration may result in the creation or strengthening of a novel splice donor site. Based on the available evidence, the clinical significance of this variant remains unclear.